The following is an entry in ClinVar:

NM_004100.5(EYA4):c.1523G>A (p.Arg508Lys)

Genes: TARID (TCF21 antisense RNA inducing promoter demethylation; minus strand), EYA4 (EYA transcriptional coactivator and phosphatase 4; plus strand). Cytogenetic location: 6q23.2.
Variant type: single nucleotide variant.
Coding change: c.1523G>A on transcript NM_004100.5 (MANE Select); coding-DNA position 1523, G replaced by A.
Protein change: p.Arg508Lys; replaces arginine 508 with lysine.
Molecular consequence: missense variant.
Genome position (GRCh38, 1-based): chr6:133,515,342, G>A. VCF-style: chr6-133515342-G-A. GRCh37 (hg19) VCF-style: chr6-133836480-G-A.
Other names: c.1523G>A (NM_004100.4); c.1361G>A, p.Arg454Lys (NM_001301012.2); c.1541G>A, p.Arg514Lys (NM_001301013.2); c.1454G>A, p.Arg485Lys (NM_001370458.1, NM_172103.4); c.1379G>A, p.Arg460Lys (NM_001370459.1); c.1523G>A, p.Arg508Lys (NM_172105.4); short protein forms R454K, R514K, R485K, R508K, R460K.
Identifiers: ClinVar variation 1469630 (VCV001469630.9), dbSNP rs543789215, ClinGen allele CA4008394.

ClinVar aggregate classification (germline): Conflicting classifications of pathogenicity. Review status: criteria provided, conflicting classifications (1 of 4 stars). 2 submissions from 2 submitters: Uncertain significance (1); Likely benign (1). Last evaluated 2025-10-28.

Conditions:
Cardiovascular phenotype. Identifiers: MedGen CN230736.
Dilated cardiomyopathy 1J (CMD1J). Also called: CARDIOMYOPATHY, DILATED, WITH SENSORINEURAL HEARING LOSS, AUTOSOMAL DOMINANT. Identifiers: Orphanet 217622, MedGen C1854368, MONDO:0011541, OMIM 605362.

Allele frequency attached by ClinVar (database versions not stated): 1000 Genomes Project 30x 0.00016; 1000 Genomes Project 0.00020.
gnomAD v4.1: 51 of 1,612,278 alleles (0.0032%); highest among the groups gnomAD compares: South Asian, 0.052%; 1 homozygote.

Submissions (2):

Labcorp Genetics (formerly Invitae), Labcorp
Classification: Likely benign for Dilated cardiomyopathy 1J. Last evaluated: 2025-10-28. Review status: criteria provided, single submitter. Criteria: Invitae Variant Classification Sherloc (09022015). Collection method: clinical testing. Allele origin: germline.

Ambry Genetics
Classification: Uncertain significance for Cardiovascular phenotype. Last evaluated: 2023-05-31. Review status: criteria provided, single submitter. Criteria: Ambry Variant Classification Scheme 2023. Collection method: clinical testing. Allele origin: germline.
Comment: The p.R508K variant (also known as c.1523G>A), located in coding exon 16 of the EYA4 gene, results from a G to A substitution at nucleotide position 1523. The arginine at codon 508 is replaced by lysine, an amino acid with highly similar properties. This alteration has been reported in a biobank cohort (Ahmadmehrabi S et al. Hum Genet, 2021 Jun;140:957-967). This amino acid position is highly conserved in available vertebrate species. In addition, this alteration is predicted to be deleterious by in silico analysis. Since supporting evidence is limited at this time, the clinical significance of this alteration remains unclear.

Literature cited by the submitters: PubMed 33745059 (cited by Ambry Genetics); PubMed 35026164 (cited by Ambry Genetics).